The following is an entry in ClinVar:

NM_003839.4(TNFRSF11A):c.1825C>G (p.Gln609Glu)

Gene: TNFRSF11A (TNF receptor superfamily member 11a; plus strand). Cytogenetic location: 18q21.33.
Variant type: single nucleotide variant.
Coding change: c.1825C>G on transcript NM_003839.4 (MANE Select); coding-DNA position 1825, C replaced by G.
Protein change: p.Gln609Glu; replaces glutamine 609 with glutamic acid.
Molecular consequence: missense variant. On other transcripts: 3 prime UTR variant (1).
Genome position (GRCh38, 1-based): chr18:62,385,008, C>G. VCF-style: chr18-62385008-C-G. GRCh37 (hg19) VCF-style: chr18-60052241-C-G.
Other names: c.*249C>G (NM_001270949.2); c.988C>G, p.Gln330Glu (NM_001270950.2); c.874C>G, p.Gln292Glu (NM_001270951.2); c.1783C>G, p.Gln595Glu (NM_001278268.2); short protein forms Q292E, Q330E, Q595E, Q609E.
Identifiers: ClinVar variation 1901091 (VCV001901091.6), dbSNP rs1460554186, ClinGen allele CA402621801.

ClinVar aggregate classification (germline): Uncertain significance. Review status: criteria provided, multiple submitters, no conflicts (2 of 4 stars). 2 submissions from 2 submitters: Uncertain significance (2). Last evaluated 2024-12-30.

Conditions:
Inborn genetic diseases. Identifiers: MedGen C0950123, MeSH D030342.

Allele frequency attached by ClinVar (database versions not stated): gnomAD exomes below 0.00001; TOPMed below 0.00001.
gnomAD v4.1: 1 of 1,482,726 alleles (0.000067%); highest among the groups gnomAD compares: Non-Finnish European, 0.000089%; no homozygotes.

Submissions (2):

Ambry Genetics
Classification: Uncertain significance for Inborn genetic diseases. Last evaluated: 2024-12-30. Review status: criteria provided, single submitter. Criteria: Ambry Variant Classification Scheme 2023. Collection method: clinical testing. Allele origin: germline.

Labcorp Genetics (formerly Invitae), Labcorp
Classification: Uncertain significance. Last evaluated: 2022-05-19. Review status: criteria provided, single submitter. Criteria: Invitae Variant Classification Sherloc (09022015). Collection method: clinical testing. Allele origin: germline.
Comment: In summary, the available evidence is currently insufficient to determine the role of this variant in disease. Therefore, it has been classified as a Variant of Uncertain Significance. Algorithms developed to predict the effect of missense changes on protein structure and function are either unavailable or do not agree on the potential impact of this missense change (SIFT: "Tolerated"; PolyPhen-2: "Possibly Damaging"; Align-GVGD: "Class C0"). This variant has not been reported in the literature in individuals affected with TNFRSF11A-related conditions. This variant is not present in population databases (gnomAD no frequency). This sequence change replaces glutamine, which is neutral and polar, with glutamic acid, which is acidic and polar, at codon 609 of the TNFRSF11A protein (p.Gln609Glu).